The following is an entry in ClinVar:

ClinVar aggregate classification (germline): Likely benign (0 of 4 stars; one submission).

Conditions:
TGFB3-related disorder. Also called: TGFB3-related condition.

Allele frequency attached by ClinVar (database versions not stated): gnomAD exomes below 0.00001; ExAC 0.00001.
gnomAD v4.1: 2 of 1,608,664 alleles (0.00012%); highest among the groups gnomAD compares: South Asian, 0.0022%; no homozygotes.

Submission:

PreventionGenetics, part of Exact Sciences
Classification: Likely benign for TGFB3-related condition. Last evaluated: 2021-04-20. Review status: no assertion criteria provided. Collection method: clinical testing. Allele origin: germline.
Comment: This variant is classified as likely benign based on ACMG/AMP sequence variant interpretation guidelines (Richards et al. 2015 PMID: 25741868, with internal and published modifications).

NM_003239.5(TGFB3):c.-23T>C

Gene: TGFB3 (transforming growth factor beta 3; minus strand). Cytogenetic location: 14q24.3.
Variant type: single nucleotide variant.
Coding change: c.-23T>C on transcript NM_003239.5 (MANE Select); 23 bases upstream of the start codon, T replaced by C.
Molecular consequence: 5 prime UTR variant.
Genome position (GRCh38, 1-based): chr14:75,980,916, A>G on the plus strand (T>C on the coding strand, the complement: TGFB3 is on the minus strand). VCF-style: chr14-75980916-A-G. GRCh37 (hg19) VCF-style: chr14-76447259-A-G.
Other names: c.-23T>C (NM_001329938.2, NM_001329939.2).
Identifiers: ClinVar variation 3031285 (VCV003031285.2), dbSNP rs777194708, ClinGen allele CA7280542.
Genomic context (GRCh38, chr14:75,980,916, plus strand): 5'-GCCAGGACCACCAGAGCCCTTTGCAAGTGCATCTTCATGTGTGAGCTGGGAAGAGAGGCC[A>G]GGGGGACGGCAAGGCCTGGAGAGGAAGAGACCCCAGCAGACGTGCAGAAGGAGGGAGGAA-3'